The following is an entry in ClinVar:

NM_020699.4(GATAD2B):c.1378del (p.Arg460fs)

Gene: GATAD2B (GATA zinc finger domain containing 2B; minus strand). Cytogenetic location: 1q21.3.
Variant type: Deletion.
Coding change: c.1378del on transcript NM_020699.4 (MANE Select); coding-DNA position 1378, one base deleted (C; older notation c.1378delC).
Protein change: p.Arg460fs; shifts the reading frame from arginine 460.
Molecular consequence: frameshift variant.
Genome position (GRCh38, 1-based): chr1:153,813,291, G deleted on the plus strand (C on the coding strand, the reverse complement: GATAD2B is on the minus strand); the first of 2 consecutive G bases (chr1:153,813,291-153,813,292); deleting either gives the same sequence. VCF-style (leftmost placement, unchanged base first): chr1-153813290-CG-C. GRCh37 (hg19) VCF-style: chr1-153785766-CG-C.
Other names: short protein forms R460fs.
Identifiers: ClinVar variation 2838955 (VCV002838955.3), dbSNP rs2525237895, ClinGen allele CA2739275299.

ClinVar aggregate classification (germline): Pathogenic (1 of 4 stars; one submission).

Submission:

Labcorp Genetics (formerly Invitae), Labcorp
Classification: Pathogenic. Last evaluated: 2023-04-28. Review status: criteria provided, single submitter. Criteria: Invitae Variant Classification Sherloc (09022015). Collection method: clinical testing. Allele origin: germline.
Comment: This variant has not been reported in the literature in individuals affected with GATAD2B-related conditions. This variant is not present in population databases (gnomAD no frequency). This sequence change creates a premature translational stop signal (p.Arg460Glyfs*2) in the GATAD2B gene. It is expected to result in an absent or disrupted protein product. Loss-of-function variants in GATAD2B are known to be pathogenic (PMID: 23033978, 25356899, 27159321). For these reasons, this variant has been classified as Pathogenic. Algorithms developed to predict the effect of sequence changes on RNA splicing suggest that this variant may create or strengthen a splice site.

Literature cited by the submitters: PubMed 23033978; PubMed 25356899; PubMed 27159321.